The following is an entry in ClinVar:

NM_000311.5(PRNP):c.532G>A (p.Asp178Asn)

Gene: PRNP (prion protein (Kanno blood group); plus strand). Cytogenetic location: 20p13.
Variant type: single nucleotide variant.
Coding change: c.532G>A on transcript NM_000311.5 (MANE Select); coding-DNA position 532, G replaced by A.
Protein change: p.Asp178Asn; replaces aspartic acid 178 with asparagine.
Molecular consequence: missense variant. On other transcripts: 3 prime UTR variant (1).
Genome position (GRCh38, 1-based): chr20:4,699,752, G>A. VCF-style: chr20-4699752-G-A. GRCh37 (hg19) VCF-style: chr20-4680398-G-A.
Other names: c.532G>A, p.Asp178Asn (NM_001080121.3, NM_001080122.3, NM_001080123.3 and 1 more transcripts); c.*221G>A (NM_001271561.3); short protein forms D178N.
Identifiers: ClinVar variation 39359 (VCV000039359.91), dbSNP rs74315403, ClinGen allele CA261110.

ClinVar aggregate classification (germline): Pathogenic/Likely pathogenic. Review status: criteria provided, multiple submitters, no conflicts (2 of 4 stars). 10 submissions from 10 submitters: Pathogenic (8); Likely pathogenic (1). 1 of the submissions does not count toward it. Last evaluated 2026-07-10.

Conditions:
Spongiform encephalopathy with neuropsychiatric features. Identifiers: MedGen C1847650, MONDO:0011703, OMIM 606688.
Gerstmann-Straussler-Scheinker syndrome (GSD). Also called: GERSTMANN-STRAUSSLER DISEASE; PRION DEMENTIA; Spongiform encephalopathy; Cerebellar ataxia, progressive dementia, and amyloid deposits in the central nervous system; Encephalopathy subacute spongiform Gerstmann-Straussler type; Spinocerebellar ataxia and plaque-like deposits. Identifiers: Orphanet 356, MedGen C0017495, MONDO:0007656, OMIM 137440.
Huntington disease-like 1 (HDL1). Also called: PRION DISEASE, EARLY-ONSET, WITH PROMINENT PSYCHIATRIC FEATURES; HUNTINGTON-LIKE NEURODEGENERATIVE DISORDER 1; HUNTINGTON-LIKE NEURODEGENERATIVE DISORDER, AUTOSOMAL DOMINANT. Identifiers: Orphanet 157941, MedGen C1864112, MONDO:0011299, OMIM 603218.
PRNP-related disorder. Also called: PRNP-related disorders; PRNP-related condition.
Fatal familial insomnia (FFI). Also called: Fatal Familial Insomnia (FFI). Identifiers: Orphanet 466, MedGen C0206042, MONDO:0010808, OMIM 600072.

Allele frequency attached by ClinVar (database versions not stated): TOPMed below 0.00001.
gnomAD v4.1: 1 of 1,613,942 alleles (0.000062%); highest among the groups gnomAD compares: Non-Finnish European, 0.000085%; no homozygotes.

Submissions (10):

GeneDx
Classification: Pathogenic. Last evaluated: 2026-07-10. Review status: criteria provided, single submitter. Criteria: GeneDx Variant Classification Process June 2021. Collection method: clinical testing. Allele origin: germline.
Comment: Previous studies have suggested that PRNP D178N-129M haplotype is associated with Fatal Familial Insomnia (FFI), while the D178N-129V haplotype is associated with Creutzfeldt-Jakob disease (CJD) (PMID: 1439789, 10588836); Published functional studies demonstrate a damaging effect by accelerated misfolding and forming oligomers faster than wild-type protein (PMID: 25959220); In silico analysis suggests that this missense variant does not alter protein structure/function; Not observed at significant frequency in large population cohorts (gnomAD); This variant is associated with the following publications: (PMID: 26617725, 10588836, 1439789, 32775516, 39843441, 19996123, 1671440, 16313190, 19571725, 20872767, 25281825, 18062918, 10079068, 24118545, 23723004, 25473397, 20096809, 17494694, 14761942, 23132868, 9813003, 21689662, 23430483, 20038778, 21552571, 19543376, 22912570, 23276223, 19565837, 20104755, 15623717, 27056979, 26791950, 26074146, 17013786, 9855529, 9270595, 9531435, 19228673, 29718878, 16227536, 10050890, 24340298, 32946318, 8105681, 30012679, 10787305, 15459517, 33726816, 28549449, 29569252, 25959220)

Labcorp Genetics (formerly Invitae), Labcorp
Classification: Pathogenic for Huntington disease-like 1. Last evaluated: 2025-12-22. Review status: criteria provided, single submitter. Criteria: Invitae Variant Classification Sherloc (09022015). Collection method: clinical testing. Allele origin: germline.
Comment: This sequence change replaces aspartic acid, which is acidic and polar, with asparagine, which is neutral and polar, at codon 178 of the PRNP protein (p.Asp178Asn). This variant is not present in population databases (gnomAD no frequency). This missense change has been observed in individuals with genetic prion diseases (PMID: 1439789, 1671440, 9270595, 9531435, 10588836, 16227536, 17013786, 20038778, 26488179, 26791950). It has also been observed to segregate with disease in related individuals. ClinVar contains an entry for this variant (Variation ID: 39359). Invitae Evidence Modeling of protein sequence and biophysical properties (such as structural, functional, and spatial information, amino acid conservation, physicochemical variation, residue mobility, and thermodynamic stability) indicates that this missense variant is not expected to disrupt PRNP protein function with a negative predictive value of 80%. Experimental studies have shown that this missense change affects PRNP function (PMID: 9813003, 16313190, 17494694, 23132868, 27350609). For these reasons, this variant has been classified as Pathogenic.

Blueprint Genetics
Classification: Pathogenic for PRNP-related disorders. Last evaluated: 2024-11-21. Review status: criteria provided, single submitter. Criteria: ACMG Guidelines, 2015. Collection method: clinical testing. Allele origin: germline. Affected: yes. Observed: 4 variant alleles.

Mayo Clinic Laboratories, Mayo Clinic
Classification: Pathogenic. Last evaluated: 2024-06-10. Review status: criteria provided, single submitter. Criteria: ACMG Guidelines, 2015. Collection method: clinical testing. Allele origin: germline. Observed: 1 variant allele.
Comment: PP1_strong, PP4, PM2, PS4

3billion
Classification: Pathogenic for Gerstmann-Straussler-Scheinker syndrome; Huntington disease-like 1; Spongiform encephalopathy with neuropsychiatric features. Last evaluated: 2024-02-25. Review status: criteria provided, single submitter. Criteria: ACMG Guidelines, 2015. Collection method: clinical testing. Allele origin: germline. Affected: yes.
Comment: The variant is not observed in the gnomAD v2.1.1 dataset. Predicted Consequence/Location: Missense changes are a common disease-causing mechanism. Functional studies provide moderate evidence of the variant having a damaging effect on the gene or gene product (PMID: 16313190, 23132868). In silico tool predictions suggest damaging effect of the variant on gene or gene product [REVEL: 0.73 (>=0.6, sensitivity 0.68 and specificity 0.92); 3Cnet: 0.98 (>=0.6, sensitivity 0.72 and precision 0.9)]. Same nucleotide change resulting in same amino acid change has been previously reported as pathogenic/likely pathogenic with strong evidence (ClinVar ID: VCV000039359 /PMID: 1671440 /3billion dataset). The variant has been observed in multiple (>3) similarly affected unrelated individuals (PMID: 16227536, 26488179, 9270595, 9531435). The variant has been reported to co-segregate with the disease in at least 7 similarly affected relatives/individuals in at least two unrelated families (PMID: 10588836, 20038778). Therefore, this variant is classified as Pathogenic according to the recommendation of ACMG/AMP guideline.

CeGaT Center for Human Genetics Tuebingen
Classification: Pathogenic. Last evaluated: 2023-03-01. Review status: criteria provided, single submitter. Criteria: CeGaT Center For Human Genetics Tuebingen Variant Classification Criteria Version 2. Collection method: clinical testing. Allele origin: germline. Affected: yes. Observed: 2 variant alleles.
Comment: PRNP: PS3:Very Strong, PS4, PM2

Institute of Medical Genetics and Applied Genomics, University Hospital Tübingen
Classification: Pathogenic. Last evaluated: 2020-10-23. Review status: criteria provided, single submitter. Criteria: ACMG Guidelines, 2015. Collection method: clinical testing. Allele origin: germline. Inheritance: Unknown mechanism. Affected: yes.

Department of Traditional Chinese Medicine, Fujian Provincial Hospital
Classification: Pathogenic for Fatal familial insomnia. Review status: criteria provided, single submitter. Criteria: ACMG Guidelines, 2015. Collection method: research. Allele origin: inherited. Affected: yes.
Comment: Full-length PRNP sequencing revealed the c.532G>A (p.Asp178Asn) variant. ACMG Classification and Pathogenicity: This is a known pathogenic variant, fulfilling criteria PS4 + PM2_Supporting + PP1_Strong + PP3, and is classified as "Pathogenic". The coexistence of the PRNP p.D178N mutation with the methionine allele at codon 129 is the classic molecular basis for FFI (PMID: 1346517, 7552317). This case supports the hypothesis that SARS-CoV-2 may act as a trigger or accelerator for such hereditary prion diseases.

Institute of Human Genetics, University Hospital of Duesseldorf
Classification: Likely pathogenic for Fatal familial insomnia. Review status: criteria provided, single submitter. Criteria: ACMG Guidelines, 2015. Collection method: not provided. Allele origin: germline. Inheritance: Autosomal dominant inheritance. Affected: yes.

GeneReviews
No classification provided. Condition: Fatal familial insomnia. Review status: no classification provided. Collection method: literature only. Allele origin: germline. Not counted in ClinVar's aggregate classification.
Comment: Associated with Fatal Familial Insomnia phenotype; 1 of the 5 most common variants that account for 85% of genetic prion disease when in cis with Met129Val.

Literature cited by the submitters: PubMed 1439789 (cited by Labcorp Genetics (formerly Invitae), Labcorp and Mayo Clinic Laboratories, Mayo Clinic); PubMed 1671440 (cited by 3 submitters); PubMed 9270595 (cited by 3 submitters); PubMed 9531435 (cited by Labcorp Genetics (formerly Invitae), Labcorp and 3billion); PubMed 10588836 (cited by Labcorp Genetics (formerly Invitae), Labcorp and 3billion); PubMed 16227536 (cited by Labcorp Genetics (formerly Invitae), Labcorp and 3billion); PubMed 17013786 (cited by Labcorp Genetics (formerly Invitae), Labcorp); PubMed 20038778 (cited by Labcorp Genetics (formerly Invitae), Labcorp and 3billion); PubMed 26488179 (cited by Labcorp Genetics (formerly Invitae), Labcorp and 3billion); PubMed 26791950 (cited by Labcorp Genetics (formerly Invitae), Labcorp); PubMed 9813003 (cited by Labcorp Genetics (formerly Invitae), Labcorp); PubMed 16313190 (cited by 3 submitters); PubMed 17494694 (cited by Labcorp Genetics (formerly Invitae), Labcorp); PubMed 23132868 (cited by 3 submitters); PubMed 27350609 (cited by Labcorp Genetics (formerly Invitae), Labcorp); PubMed 10050890 (cited by Mayo Clinic Laboratories, Mayo Clinic); PubMed 29887139 (cited by Mayo Clinic Laboratories, Mayo Clinic and GeneReviews); PubMed 29887141 (cited by Mayo Clinic Laboratories, Mayo Clinic); PubMed 32775516 (cited by Mayo Clinic Laboratories, Mayo Clinic); PubMed 1346517 (cited by Department of Traditional Chinese Medicine, Fujian Provincial Hospital); PubMed 7552317 (cited by Department of Traditional Chinese Medicine, Fujian Provincial Hospital); PubMed 20301407 (cited by GeneReviews).